The following is an entry in ClinVar:

ClinVar aggregate classification (germline): Conflicting classifications of pathogenicity. Review status: criteria provided, conflicting classifications (1 of 4 stars). 4 submissions from 4 submitters: Uncertain significance (2); Likely benign (2). Last evaluated 2026-07-19.

Conditions:
Ehlers-Danlos syndrome, classic type, 1 (EDSCL1). Also called: EHLERS-DANLOS SYNDROME, GRAVIS TYPE; EHLERS-DANLOS SYNDROME, SEVERE CLASSIC TYPE; Ehlers-Danlos syndrome, type 1; Ehlers-Danlos Syndrome, Classic Type, COL5A1-Related; EDS I. Identifiers: MedGen C0268335, MONDO:0019567, OMIM 130000.
Familial thoracic aortic aneurysm and aortic dissection (TAAD). Also called: Thoracic aortic aneurysms and dissections. Identifiers: Orphanet 91387, MedGen C4707243, MONDO:0019625.

Allele frequency attached by ClinVar (database versions not stated): ExAC 0.00002; gnomAD exomes 0.00002 and 0.00004; gnomAD 0.00003 and 0.00004; TOPMed 0.00003; ESP Exome Variant Server 0.00015.
gnomAD v4.1: 67 of 1,613,326 alleles (0.0042%); highest among the groups gnomAD compares: Non-Finnish European, 0.0052%; no homozygotes.

Submissions (4):

Ambry Genetics
Classification: Uncertain significance for Familial thoracic aortic aneurysm and aortic dissection. Last evaluated: 2026-07-19. Review status: criteria provided, single submitter. Criteria: Ambry Variant Classification Scheme 2023. Collection method: clinical testing. Allele origin: germline.

CeGaT Center for Human Genetics Tuebingen
Classification: Likely benign. Last evaluated: 2026-05-01. Review status: criteria provided, single submitter. Criteria: CeGaT Center For Human Genetics Tuebingen Variant Classification Criteria Version 2. Collection method: clinical testing. Allele origin: germline. Affected: yes. Observed: 1 variant allele.
Comment: COL5A1: BS2

Labcorp Genetics (formerly Invitae), Labcorp
Classification: Likely benign for Ehlers-Danlos syndrome, classic type, 1. Last evaluated: 2026-01-20. Review status: criteria provided, single submitter. Criteria: Invitae Variant Classification Sherloc (09022015). Collection method: clinical testing. Allele origin: germline.

GeneDx
Classification: Uncertain significance. Last evaluated: 2025-05-13. Review status: criteria provided, single submitter. Criteria: GeneDx Variant Classification Process June 2021. Collection method: clinical testing. Allele origin: germline. Affected: yes.
Comment: Has not been previously published as pathogenic or benign to our knowledge; In silico analysis suggests that this missense variant does not alter protein structure/function; This variant is associated with the following publications: (PMID: 22696272)

NM_000093.5(COL5A1):c.2398A>G (p.Ile800Val)

Gene: COL5A1 (collagen type V alpha 1 chain; plus strand). Cytogenetic location: 9q34.3.
Variant type: single nucleotide variant.
Coding change: c.2398A>G on transcript NM_000093.5 (MANE Select); coding-DNA position 2398, A replaced by G.
Protein change: p.Ile800Val; replaces isoleucine 800 with valine.
Molecular consequence: missense variant.
Genome position (GRCh38, 1-based): chr9:134,780,114, A>G. VCF-style: chr9-134780114-A-G. GRCh37 (hg19) VCF-style: chr9-137671960-A-G.
Other names: p.I800V:ATC>GTC; c.2398A>G, p.Ile800Val (NM_001278074.1); short protein forms I800V.
Identifiers: ClinVar variation 212895 (VCV000212895.15), dbSNP rs146870918, ClinGen allele CA322225.